The following is an entry in ClinVar:

NM_017739.4(POMGNT1):c.1285-2A>G

Genes: TSPAN1 (tetraspanin 1; plus strand), POMGNT1 (protein O-linked mannose N-acetylglucosaminyltransferase 1 (beta 1,2-); minus strand). Cytogenetic location: 1p34.1.
Variant type: single nucleotide variant.
Coding change: c.1285-2A>G on transcript NM_017739.4 (MANE Select); the canonical splice acceptor site of the intron before coding-DNA position 1285, A replaced by G.
Molecular consequence: splice acceptor variant.
Genome position (GRCh38, 1-based): chr1:46,192,438, T>C on the plus strand (A>G on the coding strand, the complement: POMGNT1 is on the minus strand). VCF-style: chr1-46192438-T-C. GRCh37 (hg19) VCF-style: chr1-46658110-T-C.
Other names: c.1285-2A>G (NM_001438688.1, NM_001437653.1, NM_001410783.1 and 3 more transcripts); c.1219-2A>G (NM_001438692.1, NM_001290129.3, NM_001438691.1); c.856-2A>G (NM_001290130.2).
Identifiers: ClinVar variation 56578 (VCV000056578.16), dbSNP rs386834012, ClinGen allele CA263941.
Genomic context (GRCh38, chr1:46,192,438, plus strand): 5'-CCAGGCATGGTCTCCACACGGTACAGTAGTGCTGGGTCCTCAGCCGTGTGTTCATACCCC[T>C]GGGGACAGGGTGCCATAGTGGGAGGTATTAGCTGAGGCCTCATAAACTCGCCTGCTAAAC-3'

ClinVar aggregate classification (germline): Pathogenic/Likely pathogenic. Review status: criteria provided, multiple submitters, no conflicts (2 of 4 stars). 8 submissions from 7 submitters: Pathogenic (2); Likely pathogenic (3). 3 of the submissions do not count toward it. Last evaluated 2025-04-11.

Conditions:
Autosomal recessive limb-girdle muscular dystrophy type 2O. Also called: MUSCULAR DYSTROPHY-DYSTROGLYCANOPATHY (LIMB-GIRDLE), TYPE C, 3; MUSCULAR DYSTROPHY-DYSTROGLYCANOPATHY, LIMB-GIRDLE, POMGNT1-RELATED; Limb-Girdle Muscular Dystrophy Type 3C. Identifiers: Orphanet 206564, MedGen C3150417, MONDO:0013161, OMIM 613157.
Muscular dystrophy-dystroglycanopathy (congenital with impaired intellectual development), type B, 3. Also called: Muscular dystrophy-dystroglycanopathy (congenital with intellectual disability), type B3; MUSCULAR DYSTROPHY, CONGENITAL, POMGNT1-RELATED. Identifiers: MedGen C3150412, MONDO:0013155, OMIM 613151.
Muscular dystrophy-dystroglycanopathy (congenital with brain and eye anomalies), type A3. Also called: Muscular dystrophy-dystroglycanopathy (congenital with brain and eye anomalies), type A, 3; Congenital muscular dystrophy-dystroglycanopathy with brain and eye anomalies, type A3; WALKER-WARBURG SYNDROME OR MUSCLE-EYE-BRAIN DISEASE, POMGNT1-RELATED. Identifiers: MedGen C3151519, MONDO:0009667, OMIM 253280.
Muscular dystrophy-dystroglycanopathy. Also called: Congenital muscular dystrophy due to dystroglycanopathy. Identifiers: Orphanet 370953, MedGen C5679911, MONDO:0018276.
Retinitis pigmentosa 76 (RP76). Identifiers: MedGen C4310704, MONDO:0014929, OMIM 617123.
POMGNT1-related disorder. Also called: POMGNT1-related condition; POMGNT1-related disorders. Identifiers: MedGen CN239299.
Muscle eye brain disease (MEB). Also called: Santavuori congenital muscular dystrophy. Identifiers: Orphanet 588, Orphanet 899, MedGen C0457133, MONDO:0018939.

Allele frequency attached by ClinVar (database versions not stated): gnomAD exomes below 0.00001; ExAC 0.00001; gnomAD 0.00001.
gnomAD v4.1: 1 of 1,614,026 alleles (0.000062%); highest among the groups gnomAD compares: Non-Finnish European, 0.000085%; no homozygotes.

Submissions (8):

Labcorp Genetics (formerly Invitae), Labcorp
Classification: Pathogenic for Autosomal recessive limb-girdle muscular dystrophy type 2O; Muscular dystrophy-dystroglycanopathy (congenital with impaired intellectual development), type B, 3. Last evaluated: 2025-04-11. Review status: criteria provided, single submitter. Criteria: Invitae Variant Classification Sherloc (09022015). Collection method: clinical testing. Allele origin: germline.
Comment: This sequence change affects an acceptor splice site in intron 15 of the POMGNT1 gene. It is expected to disrupt RNA splicing. Variants that disrupt the donor or acceptor splice site typically lead to a loss of protein function (PMID: 16199547), and loss-of-function variants in POMGNT1 are known to be pathogenic (PMID: 19299310, 20816175, 21447391, 26908613, 27391550). This variant is present in population databases (rs386834012, gnomAD 0.0009%). Disruption of this splice site has been observed in individuals with congenital muscular dystrophy and/or muscle-eye-brain disease (PMID: 15466003, 17030669, 19299310). ClinVar contains an entry for this variant (Variation ID: 56578). Algorithms developed to predict the effect of sequence changes on RNA splicing suggest that this variant may disrupt the consensus splice site. For these reasons, this variant has been classified as Pathogenic.

Natera, Inc.
Classification: Likely pathogenic for Muscle-eye-brain disease. Last evaluated: 2024-06-06. Review status: criteria provided, single submitter. Criteria: Natera Variant Classification Schema (03/2026). Collection method: clinical testing. Allele origin: germline.
Comment: The c.1285-2A>G variant in POMGNT1 is a canonical splice acceptor site variant predicted to affect pre-mRNA splicing, which may result in an abnormal transcript and altered protein product. This variant is expected to result in nonsense mediated decay, truncation, or a dysfunctional protein product. This variant is rare in the general population with a frequency below the threshold expected for the associated phenotype(s). This variant has been observed in one or more individuals affected with the associated recessive disease, as either homozygous or compound heterozygous with a second variant (PMID: 19299310). Given the available evidence, this variant is classified as Likely Pathogenic.

Baylor Genetics
Classification: Pathogenic for Muscular dystrophy-dystroglycanopathy (congenital with brain and eye anomalies), type A3. Last evaluated: 2023-02-11. Review status: criteria provided, single submitter. Criteria: ACMG Guidelines, 2015. Collection method: clinical testing. Allele origin: unknown.

Broad Center for Mendelian Genomics, Broad Institute of MIT and Harvard
Classification: Likely pathogenic for Muscular dystrophy-dystroglycanopathy. Last evaluated: 2023-01-24. Review status: criteria provided, single submitter. Criteria: ACMG Guidelines, 2015. Collection method: curation. Allele origin: germline. Inheritance: Autosomal recessive inheritance.
Comment: The c.1285-2A>G variant in POMGNT1 has been previously reported in the literature in three individuals with muscular dystrophy-dystroglycanopathy (PMID: 19299310, 17030669, 15466003), and has been identified in 0.0009% (1/113576) of European (non-Finnish) chromosomes by the Genome Aggregation Database (gnomAD; dbSNP ID: rs386834012). Although this variant has been seen in the general population in a heterozygous state, its frequency is low enough to be consistent with a recessive carrier frequency. This variant has also been reported in ClinVar (Variation ID#:56578) and has been interpreted as likely pathogenic/pathogenic by Invitae, Counsyl, and Illumina, probable-pathogenic by Juha Muilu Group (Institute for Molecular Medicine Finland (FIMM)), and as a variant of uncertain significance by Illumina. Of the three affected individuals, one of those was homozygous, which increases the likelihood that the c.1285-2A>G variant is pathogenic (PMID: 19299310). RT-PCR analysis performed on affected tissue shows intron retention and exon skipping (PMID: 17030669). This variant is located in the 3‚Äô splice region. Computational tools predict a splicing impact, though this information is not predictive enough to determine pathogenicity. This variant is adjacent to an in-frame exon and is more likely to escape nonsense mediated decay (NMD) and result in a truncated protein. In summary, although additional studies are required to fully establish its clinical significance, this variant is likely pathogenic for POMGNT1-associated muscular dystrophy-dystroglycanopathy. ACMG/AMP Criteria applied: PVS1_moderate, PS3, PM2_Supporting, PM3_supporting (Richards 2015).

Illumina Laboratory Services, Illumina
Classification: Likely pathogenic for POMGNT1-Related Disorders. Last evaluated: 2017-04-27. Review status: criteria provided, single submitter. Criteria: ICSL Variant Classification Criteria 09 May 2019. Collection method: clinical testing. Allele origin: germline.
Comment: The POMGNT1 c.1285-2A>G variant occurs in a canonical splice site (acceptor) and is therefore predicted to disrupt or distort the normal gene product. The c.1285-2A>G variant has been reported in three studies in which it is found in a total of three individuals with POMGNT1-related disorders, including in one in a homozygous state, in one in a compound heterozygous state, and in one in a heterozygous state in whom a second variant was not detected (Diesen et al. 2004; Biancheri et al. 2006; Mercuri et al. 2009). The c.1285-2A>G variant was absent from at least 125 controls but is reported at a frequency of 0.00002 in the European (non-Finnish) population of the Exome Aggregation Consortium. This frequency is based on one allele in an area of good sequence coverage so the variant is presumed to be rare. Based on the potential impact of splice acceptor variants and evidence from the literature, the c.1285-2A>G variant is classified as likely pathogenic for POMGNT1-related disorders. This variant was observed by ICSL as part of a predisposition screen in an ostensibly healthy population.

Counsyl
Classification: Pathogenic for Retinitis pigmentosa 76. Last evaluated: 2017-08-22. Review status: no assertion criteria provided. Collection method: clinical testing. Allele origin: unknown. Not counted in ClinVar's aggregate classification.

Juha Muilu Group; Institute for Molecular Medicine Finland (FIMM)
Classification: Likely pathogenic for Muscle eye brain disease. Review status: no assertion criteria provided. Collection method: not provided. Allele origin: unknown. Not counted in ClinVar's aggregate classification.
Comment: FinDis database variant: This variant was not found or characterized by our laboratory, data were collected from public sources: see reference
ClinVar note: Converted during submission from probable-pathogenic to Likely pathogenic.

Illumina Laboratory Services, Illumina
Classification: Uncertain significance for Autosomal recessive limb-girdle muscular dystrophy type 2O. Last evaluated: 2017-04-27. Review status: flagged submission. Criteria: ICSL Variant Classification Criteria 13 December 2019. Collection method: clinical testing. Allele origin: germline. Not counted in ClinVar's aggregate classification.
ClinVar note: Reason: Unnecessary conflicting claim for distinct condition when other classifications are more relevant

Literature cited by the submitters: PubMed 16199547 (cited by Labcorp Genetics (formerly Invitae), Labcorp); PubMed 19299310 (cited by 4 submitters); PubMed 20816175 (cited by Labcorp Genetics (formerly Invitae), Labcorp); PubMed 21447391 (cited by Labcorp Genetics (formerly Invitae), Labcorp); PubMed 26908613 (cited by Labcorp Genetics (formerly Invitae), Labcorp); PubMed 27391550 (cited by Labcorp Genetics (formerly Invitae), Labcorp); PubMed 15466003 (cited by 3 submitters); PubMed 17030669 (cited by Labcorp Genetics (formerly Invitae), Labcorp and Illumina Laboratory Services, Illumina).